The following is an entry in ClinVar:

NM_021815.5(SLC5A7):c.277C>A (p.Leu93Ile)

Gene: SLC5A7 (solute carrier family 5 member 7; plus strand). Cytogenetic location: 2q12.3.
Variant type: single nucleotide variant.
Coding change: c.277C>A on transcript NM_021815.5 (MANE Select); coding-DNA position 277, C replaced by A.
Protein change: p.Leu93Ile; replaces leucine 93 with isoleucine.
Molecular consequence: missense variant. On other transcripts: 5 prime UTR variant (2).
Genome position (GRCh38, 1-based): chr2:107,992,204, C>A. VCF-style: chr2-107992204-C-A. GRCh37 (hg19) VCF-style: chr2-108608660-C-A.
Other names: c.277C>A, p.Leu93Ile (NM_001305005.3); c.-39C>A (NM_001305006.3); c.-428C>A (NM_001305007.3); short protein forms L93I.
Identifiers: ClinVar variation 1009227 (VCV001009227.5), dbSNP rs1172822464, ClinGen allele CA348020609.

ClinVar aggregate classification (germline): Uncertain significance (1 of 4 stars; one submission).

Conditions:
Neuronopathy, distal hereditary motor, type 7A. Also called: SPINAL MUSCULAR ATROPHY, DISTAL, WITH VOCAL CORD PARALYSIS; HARPER-YOUNG MYOPATHY; HMN VIIA; Neuronopathy, distal hereditary motor, type viia; NEURONOPATHY, DISTAL HEREDITARY MOTOR, HARDING TYPE VIIA; NEUROPATHY, DISTAL HEREDITARY MOTOR, HARDING TYPE VIIA. Identifiers: Orphanet 139589, MedGen C1834703, MONDO:0008024, OMIM 158580.
Congenital myasthenic syndrome 20. Also called: Myasthenic syndrome, congenital, 20, presynaptic. Identifiers: MedGen C4310694, MONDO:0014939, OMIM 617143.

Submission:

Labcorp Genetics (formerly Invitae), Labcorp
Classification: Uncertain significance for Neuronopathy, distal hereditary motor, type 7A; Congenital myasthenic syndrome 20. Last evaluated: 2020-08-03. Review status: criteria provided, single submitter. Criteria: Invitae Variant Classification Sherloc (09022015). Collection method: clinical testing. Allele origin: germline.
Comment: In summary, the available evidence is currently insufficient to determine the role of this variant in disease. Therefore, it has been classified as a Variant of Uncertain Significance. Algorithms developed to predict the effect of missense changes on protein structure and function are either unavailable or do not agree on the potential impact of this missense change (SIFT: "Tolerated"; PolyPhen-2: "Possibly Damaging"; Align-GVGD: "Class C0"). This variant has not been reported in the literature in individuals with SLC5A7-related conditions. This variant is not present in population databases (ExAC no frequency). This sequence change replaces leucine with isoleucine at codon 93 of the SLC5A7 protein (p.Leu93Ile). The leucine residue is highly conserved and there is a small physicochemical difference between leucine and isoleucine.